The following is an entry in ClinVar:

NM_004168.4(SDHA):c.1658A>C (p.Asp553Ala)

Gene: SDHA (succinate dehydrogenase complex flavoprotein subunit A; plus strand). Cytogenetic location: 5p15.33.
Variant type: single nucleotide variant.
Coding change: c.1658A>C on transcript NM_004168.4 (MANE Select); coding-DNA position 1658, A replaced by C.
Protein change: p.Asp553Ala; replaces aspartic acid 553 with alanine.
Molecular consequence: missense variant. On other transcripts: intron variant (1).
Genome position (GRCh38, 1-based): chr5:251,098, A>C. VCF-style: chr5-251098-A-C. GRCh37 (hg19) VCF-style: chr5-251213-A-C.
Other names: c.1514A>C, p.Asp505Ala (NM_001294332.2); c.1552-3295A>C (NM_001330758.2); short protein forms D553A, D505A.
Identifiers: ClinVar variation 412388 (VCV000412388.9), dbSNP rs1060503723, ClinGen allele CA16611893.

ClinVar aggregate classification (germline): Uncertain significance (1 of 4 stars; one submission).

Conditions:
Mitochondrial complex II deficiency, nuclear type 1. Also called: SUCCINATE CoQ REDUCTASE DEFICIENCY. Identifiers: Orphanet 3208, MedGen C5700310, MONDO:0100294, OMIM 252011.
Pheochromocytoma/paraganglioma syndrome 5. Also called: SDHA-Related Hereditary Paraganglioma-Pheochromocytoma Syndrome; Paragangliomas 5. Identifiers: Orphanet 29072, MedGen C3279992, MONDO:0013602, OMIM 614165.

Submission:

Labcorp Genetics (formerly Invitae), Labcorp
Classification: Uncertain significance for Pheochromocytoma/paraganglioma syndrome 5; Mitochondrial complex II deficiency, nuclear type 1. Last evaluated: 2025-12-15. Review status: criteria provided, single submitter. Criteria: Invitae Variant Classification Sherloc (09022015). Collection method: clinical testing. Allele origin: germline.
Comment: This sequence change replaces aspartic acid, which is acidic and polar, with alanine, which is neutral and non-polar, at codon 553 of the SDHA protein (p.Asp553Ala). This variant is not present in population databases (gnomAD no frequency). This variant has not been reported in the literature in individuals affected with SDHA-related conditions. ClinVar contains an entry for this variant (Variation ID: 412388). Invitae Evidence Modeling of protein sequence and biophysical properties (such as structural, functional, and spatial information, amino acid conservation, physicochemical variation, residue mobility, and thermodynamic stability) has been performed for this missense variant. However, the output from this modeling did not meet the statistical confidence thresholds required to predict the impact of this variant on SDHA protein function. In summary, the available evidence is currently insufficient to determine the role of this variant in disease. Therefore, it has been classified as a Variant of Uncertain Significance.